The following is an entry in ClinVar:

NM_024675.4(PALB2):c.3337G>A (p.Gly1113Arg)

Gene: PALB2 (partner and localizer of BRCA2; minus strand). Cytogenetic location: 16p12.2.
Variant type: single nucleotide variant.
Coding change: c.3337G>A on transcript NM_024675.4 (MANE Select); coding-DNA position 3337, G replaced by A.
Protein change: p.Gly1113Arg; replaces glycine 1113 with arginine.
Molecular consequence: missense variant. On other transcripts: intron variant (8).
Genome position (GRCh38, 1-based): chr16:23,607,877, C>T on the plus strand (G>A on the coding strand, the complement: PALB2 is on the minus strand). VCF-style: chr16-23607877-C-T. GRCh37 (hg19) VCF-style: chr16-23619198-C-T.
Other names: c.3277G>A, p.Gly1093Arg (NM_001407296.1); c.3265G>A, p.Gly1089Arg (NM_001407297.1); c.3175G>A, p.Gly1059Arg (NM_001407298.1); c.3058G>A, p.Gly1020Arg (NM_001407300.1); c.2452G>A, p.Gly818Arg (NM_001407304.1, NM_001407305.1, NM_001407306.1); c.2290G>A, p.Gly764Arg (NM_001407307.1); c.1549G>A, p.Gly517Arg (NM_001407312.1); c.871G>A, p.Gly291Arg (NM_001407314.1); and 6 more; short protein forms G1020R, G1059R, G1089R, G1093R, G1113R, G291R, G517R, G764R.
Identifiers: ClinVar variation 3393439 (VCV003393439.1).

ClinVar aggregate classification (germline): Uncertain significance (1 of 4 stars; one submission).

Conditions:
Breast-ovarian cancer, familial, susceptibility to, 5 (BROVCA5). Identifiers: MedGen C5830615, MONDO:0957530, OMIM 620442.

Submission:

Neuberg Centre For Genomic Medicine, NCGM
Classification: Uncertain significance for Breast-ovarian cancer, familial, susceptibility to, 5. Last evaluated: 2023-07-22. Review status: criteria provided, single submitter. Criteria: ACMG Guidelines, 2015. Collection method: clinical testing. Allele origin: germline. Inheritance: Autosomal dominant inheritance. Affected: yes.
Comment: The observed missense c.3337G>A p.Gly1113Arg variant in PALB2 gene has not been reported previously as a pathogenic variant nor as a benign variant, to our knowledge. The p.Gly1113Arg variant is absent in gnomAD Exomes. This variant has not been submitted to the ClinVar database. Multiple lines of computational evidence Polyphen - Probably damaging, SIFT – Damaging and Mutation Taster - Disease causing predict a damaging effect on protein structure and function for this variant. The reference amino acid on PALB2 is predicted as conserved by GERP++ and PhyloP across 100 vertebrates. The amino acid Gly at position 1113 is changed to a Arg changing protein sequence and it might alter its composition and physico-chemical properties. For these reasons, this variant has been classified as Variant of Uncertain Significance VUS.